The following is an entry in ClinVar:

ClinVar aggregate classification (germline): Likely benign. Review status: criteria provided, single submitter (1 of 4 stars). 2 submissions from 2 submitters: Likely benign (1). 1 of the submissions does not count toward it. Last evaluated 2024-02-19.

Conditions:
TG-related disorder. Also called: TG-related condition; TG-related disorders.

Allele frequency attached by ClinVar (database versions not stated): gnomAD exomes 0.00003; ExAC 0.00006; ESP Exome Variant Server 0.00008; gnomAD 0.00022; TOPMed 0.00033; 1000 Genomes Project 0.00100; 1000 Genomes Project 30x 0.00156.
gnomAD v4.1: 81 of 1,614,236 alleles (0.005%); highest among the groups gnomAD compares: African/African-American, 0.096%; no homozygotes.

Submissions (2):

Labcorp Genetics (formerly Invitae), Labcorp
Classification: Likely benign. Last evaluated: 2024-02-19. Review status: criteria provided, single submitter. Criteria: Invitae Variant Classification Sherloc (09022015). Collection method: clinical testing. Allele origin: germline.

PreventionGenetics, part of Exact Sciences
Classification: Likely benign for TG-related condition. Last evaluated: 2019-02-27. Review status: no assertion criteria provided. Collection method: clinical testing. Allele origin: germline. Not counted in ClinVar's aggregate classification.
Comment: This variant is classified as likely benign based on ACMG/AMP sequence variant interpretation guidelines (Richards et al. 2015 PMID: 25741868, with internal and published modifications).

NM_003235.5(TG):c.957C>T (p.Cys319=)

Gene: TG (thyroglobulin; plus strand). Cytogenetic location: 8q24.22.
Variant type: single nucleotide variant.
Coding change: c.957C>T on transcript NM_003235.5 (MANE Select); coding-DNA position 957, C replaced by T.
Protein change: p.Cys319=; no amino-acid change (cysteine 319 retained).
Molecular consequence: synonymous variant.
Genome position (GRCh38, 1-based): chr8:132,882,881, C>T. VCF-style: chr8-132882881-C-T. GRCh37 (hg19) VCF-style: chr8-133895126-C-T.
Other names: c.957C>T (NM_003235.4).
Identifiers: ClinVar variation 2909326 (VCV002909326.5), dbSNP rs116204144, ClinGen allele CA4883064.